The following is an entry in ClinVar:

NM_002485.5(NBN):c.71A>G (p.Tyr24Cys)

Gene: NBN (nibrin; minus strand). Cytogenetic location: 8q21.3.
Variant type: single nucleotide variant.
Coding change: c.71A>G on transcript NM_002485.5 (MANE Select); coding-DNA position 71, A replaced by G.
Protein change: p.Tyr24Cys; replaces tyrosine 24 with cysteine.
Molecular consequence: missense variant. On other transcripts: 5 prime UTR variant (1).
Genome position (GRCh38, 1-based): chr8:89,982,822, T>C on the plus strand (A>G on the coding strand, the complement: NBN is on the minus strand). VCF-style: chr8-89982822-T-C. GRCh37 (hg19) VCF-style: chr8-90995050-T-C.
Other names: c.-226A>G (NM_001024688.3); short protein forms Y24C.
Identifiers: ClinVar variation 2089968 (VCV002089968.4), dbSNP rs1812137176, ClinGen allele CA371663508.
Genomic context (GRCh38, chr8:89,982,822, plus strand): 5'-TTTCGGCTGATCGACTGATCATTTTCAATCAGAATGGCACAGTTTTTCCTTCCAACAACG[T>C]ACTCAACGCCAGTCAAAAGTCTGTATGGTTCTCCTGAGATAAATTTTTTTTTAAAAAAAG-3'
Protein context (NP_002476.2, residues 14-34): EPYRLLTGVE[Tyr24Cys]VVGRKNCAIL

ClinVar aggregate classification (germline): Uncertain significance (1 of 4 stars; one submission).

Conditions:
Microcephaly, normal intelligence and immunodeficiency (NBS). Also called: Immunodeficiency, microcephaly with normal intelligence; Ataxia telangiectasia variant V1; BERLIN BREAKAGE SYNDROME; Nijmegen breakage syndrome; Microcephaly with normal intelligence immunodeficiency and lymphoreticular malignancies; Nonsyndromal microcephaly autosomal recessive with normal intelligence. Identifiers: Orphanet 647, MedGen C0398791, MONDO:0009623, OMIM 251260.

Submission:

Labcorp Genetics (formerly Invitae), Labcorp
Classification: Uncertain significance for Microcephaly, normal intelligence and immunodeficiency. Last evaluated: 2022-01-26. Review status: criteria provided, single submitter. Criteria: Invitae Variant Classification Sherloc (09022015). Collection method: clinical testing. Allele origin: germline.
Comment: In summary, the available evidence is currently insufficient to determine the role of this variant in disease. Therefore, it has been classified as a Variant of Uncertain Significance. Algorithms developed to predict the effect of missense changes on protein structure and function are either unavailable or do not agree on the potential impact of this missense change (SIFT: "Deleterious"; PolyPhen-2: "Probably Damaging"; Align-GVGD: "Class C0"). This variant has not been reported in the literature in individuals affected with NBN-related conditions. This variant is not present in population databases (gnomAD no frequency). This sequence change replaces tyrosine, which is neutral and polar, with cysteine, which is neutral and slightly polar, at codon 24 of the NBN protein (p.Tyr24Cys).